The following is an entry in ClinVar:

NM_001042545.2(LTBP4):c.2071C>T (p.Arg691Ter)

Gene: LTBP4 (latent transforming growth factor beta binding protein 4; plus strand). Cytogenetic location: 19q13.2.
Variant type: single nucleotide variant.
Coding change: c.2071C>T on transcript NM_001042545.2 (MANE Select); coding-DNA position 2071, C replaced by T.
Protein change: p.Arg691Ter; replaces arginine 691 with a stop codon.
Molecular consequence: nonsense.
Genome position (GRCh38, 1-based): chr19:40,611,876, C>T. VCF-style: chr19-40611876-C-T. GRCh37 (hg19) VCF-style: chr19-41117782-C-T.
Other names: c.2272C>T, p.Arg758Ter (NM_001042544.1); c.2161C>T, p.Arg721Ter (NM_003573.2); short protein forms R691*, R721*, R758*.
Identifiers: ClinVar variation 2419168 (VCV002419168.6), dbSNP rs1377226312, ClinGen allele CA405938097.

ClinVar aggregate classification (germline): Pathogenic. Review status: criteria provided, multiple submitters, no conflicts (2 of 4 stars). 2 submissions from 2 submitters: Pathogenic (2). Last evaluated 2023-05-25.

Allele frequency attached by ClinVar (database versions not stated): TOPMed below 0.00001.
gnomAD v4.1: 9 of 1,607,454 alleles (0.00056%); highest among the groups gnomAD compares: Non-Finnish European, 0.00068%; no homozygotes.

Submissions (2):

Labcorp Genetics (formerly Invitae), Labcorp
Classification: Pathogenic. Last evaluated: 2023-05-25. Review status: criteria provided, single submitter. Criteria: Invitae Variant Classification Sherloc (09022015). Collection method: clinical testing. Allele origin: germline.
Comment: For these reasons, this variant has been classified as Pathogenic. ClinVar contains an entry for this variant (Variation ID: 2419168). This premature translational stop signal has been observed in individual(s) with cutis laxa (PMID: 25882708). The frequency data for this variant in the population databases is considered unreliable, as metrics indicate poor data quality at this position in the gnomAD database. This sequence change creates a premature translational stop signal (p.Arg721*) in the LTBP4 gene. It is expected to result in an absent or disrupted protein product. Loss-of-function variants in LTBP4 are known to be pathogenic (PMID: 19836010, 22829427).

GeneDx
Classification: Pathogenic. Last evaluated: 2022-09-16. Review status: criteria provided, single submitter. Criteria: GeneDx Variant Classification Process June 2021. Collection method: clinical testing. Allele origin: germline. Affected: yes.
Comment: Nonsense variant predicted to result in protein truncation or nonsense mediated decay in a gene for which loss of function is a known mechanism of disease; Not observed at significant frequency in large population cohorts (gnomAD); This variant is associated with the following publications: (PMID: 31115174, 32341818, 25882708)

Literature cited by the submitters: PubMed 25882708 (cited by Labcorp Genetics (formerly Invitae), Labcorp); PubMed 19836010 (cited by Labcorp Genetics (formerly Invitae), Labcorp); PubMed 22829427 (cited by Labcorp Genetics (formerly Invitae), Labcorp).